The following is an entry in ClinVar:

ClinVar aggregate classification (germline): Uncertain significance. Review status: criteria provided, multiple submitters, no conflicts (2 of 4 stars). 4 submissions from 4 submitters: Uncertain significance (4). Last evaluated 2025-06-11.

Conditions:
Hereditary cancer-predisposing syndrome. Also called: Hereditary Cancer Syndrome; Neoplastic Syndromes, Hereditary; Tumor predisposition; Hereditary neoplastic syndrome. Identifiers: Orphanet 140162, MedGen C0027672, MeSH D009386, MONDO:0015356.
Familial cancer of breast. Also called: BREAST CANCER, FAMILIAL; Hereditary breast cancer; hereditary breast carcinoma. Identifiers: Orphanet 227535, MedGen C0346153, MONDO:0016419, OMIM 114480. Disease mechanism: loss of function.

Allele frequency attached by ClinVar (database versions not stated): ExAC 0.00001; gnomAD exomes 0.00001.
gnomAD v4.1: 5 of 1,613,628 alleles (0.00031%); highest among the groups gnomAD compares: South Asian, 0.0033%; no homozygotes.

Submissions (4):

Labcorp Genetics (formerly Invitae), Labcorp
Classification: Uncertain significance for Familial cancer of breast. Last evaluated: 2025-06-11. Review status: criteria provided, single submitter. Criteria: Invitae Variant Classification Sherloc (09022015). Collection method: clinical testing. Allele origin: germline.
Comment: This sequence change replaces isoleucine, which is neutral and non-polar, with asparagine, which is neutral and polar, at codon 1051 of the PALB2 protein (p.Ile1051Asn). This variant is present in population databases (rs760373091, gnomAD 0.01%). This variant has not been reported in the literature in individuals affected with PALB2-related conditions. ClinVar contains an entry for this variant (Variation ID: 480229). Invitae Evidence Modeling of protein sequence and biophysical properties (such as structural, functional, and spatial information, amino acid conservation, physicochemical variation, residue mobility, and thermodynamic stability) indicates that this missense variant is expected to disrupt PALB2 protein function with a positive predictive value of 80%. In summary, the available evidence is currently insufficient to determine the role of this variant in disease. Therefore, it has been classified as a Variant of Uncertain Significance.

Quest Diagnostics Nichols Institute San Juan Capistrano
Classification: Uncertain significance. Last evaluated: 2024-11-01. Review status: criteria provided, single submitter. Criteria: Quest Diagnostics criteria. Collection method: clinical testing. Allele origin: unknown.
Comment: The PALB2 c.3152T>A (p.Ile1051Asn) variant has not been reported in individuals with PALB2-related conditions in the published literature. The frequency of this variant in the general population, 0.000098 (3/30568 chromosomes (Genome Aggregation Database)), is uninformative in the assessment of its pathogenicity. Analysis of this variant using bioinformatics tools for the prediction of the effect of amino acid changes on protein structure and function yielded conflicting predictions that this variant is benign or damaging. Based on the available information, we are unable to determine the clinical significance of this variant.

Color Diagnostics, LLC DBA Color Health
Classification: Uncertain significance for Hereditary cancer-predisposing syndrome. Last evaluated: 2023-12-04. Review status: criteria provided, single submitter. Criteria: ACMG Guidelines, 2015. Collection method: clinical testing. Allele origin: germline.
Comment: This missense variant replaces isoleucine with asparagine at codon 1051 of the PALB2 protein. Computational prediction suggests that this variant may not impact protein structure and function (internally defined REVEL score threshold <= 0.5, PMID: 27666373). To our knowledge, functional studies have not been reported for this variant. This variant has not been reported in individuals affected with PALB2-related disorders in the literature. This variant has been identified in 3/251252 chromosomes in the general population by the Genome Aggregation Database (gnomAD). The available evidence is insufficient to determine the role of this variant in disease conclusively. Therefore, this variant is classified as a Variant of Uncertain Significance.

Ambry Genetics
Classification: Uncertain significance for Hereditary cancer-predisposing syndrome. Last evaluated: 2023-05-06. Review status: criteria provided, single submitter. Criteria: Ambry Variant Classification Scheme 2023. Collection method: clinical testing. Allele origin: germline.
Comment: The p.I1051N variant (also known as c.3152T>A), located in coding exon 11 of the PALB2 gene, results from a T to A substitution at nucleotide position 3152. The isoleucine at codon 1051 is replaced by asparagine, an amino acid with dissimilar properties. This amino acid position is well conserved in available vertebrate species. In addition, this alteration is predicted to be tolerated by in silico analysis. Since supporting evidence is limited at this time, the clinical significance of this alteration remains unclear.

NM_024675.4(PALB2):c.3152T>A (p.Ile1051Asn)

Gene: PALB2 (partner and localizer of BRCA2; minus strand). Cytogenetic location: 16p12.2.
Variant type: single nucleotide variant.
Coding change: c.3152T>A on transcript NM_024675.4 (MANE Select); coding-DNA position 3152, T replaced by A.
Protein change: p.Ile1051Asn; replaces isoleucine 1051 with asparagine.
Molecular consequence: missense variant.
Genome position (GRCh38, 1-based): chr16:23,614,053, A>T on the plus strand (T>A on the coding strand, the complement: PALB2 is on the minus strand). VCF-style: chr16-23614053-A-T. GRCh37 (hg19) VCF-style: chr16-23625374-A-T.
Other names: short protein forms I1051N.
Identifiers: ClinVar variation 480229 (VCV000480229.19), dbSNP rs760373091, ClinGen allele CA7963414.